The following is an entry in ClinVar:

ClinVar aggregate classification (germline): Uncertain significance. Review status: criteria provided, multiple submitters, no conflicts (2 of 4 stars). 6 submissions from 6 submitters: Uncertain significance (6). Last evaluated 2025-07-20.

Conditions:
Catecholaminergic polymorphic ventricular tachycardia (CVPT). Also called: Catecholamine-induced polymorphic ventricular tachycardia. Identifiers: Orphanet 3286, MedGen C5574922, MONDO:0017990.
Cardiomyopathy (CMYO). Also called: Cardiomyopathies. Identifiers: Orphanet 167848, MedGen C0878544, MONDO:0004994, HP:0001638. Inheritance: Various modes of inheritance.
Catecholaminergic polymorphic ventricular tachycardia 1. Also called: VENTRICULAR TACHYCARDIA, CATECHOLAMINERGIC POLYMORPHIC, 1, WITH OR WITHOUT ATRIAL DYSFUNCTION AND/OR DILATED CARDIOMYOPATHY; VENTRICULAR TACHYCARDIA, STRESS-INDUCED POLYMORPHIC 1; RYR2-Related Catecholaminergic Polymorphic Ventricular Tachycardia. Identifiers: Orphanet 3286, MedGen C1631597, MONDO:0011484, OMIM 604772.
Cardiovascular phenotype. Identifiers: MedGen CN230736.

Allele frequency attached by ClinVar (database versions not stated): gnomAD exomes below 0.00001 and 0.00001; TOPMed below 0.00001; ExAC 0.00001; gnomAD 0.00001.
gnomAD v4.1: 8 of 1,613,850 alleles (0.0005%); highest among the groups gnomAD compares: South Asian, 0.0033%; no homozygotes.

Submissions (6):

Labcorp Genetics (formerly Invitae), Labcorp
Classification: Uncertain significance for Catecholaminergic polymorphic ventricular tachycardia 1. Last evaluated: 2025-07-20. Review status: criteria provided, single submitter. Criteria: Invitae Variant Classification Sherloc (09022015). Collection method: clinical testing. Allele origin: germline.
Comment: This sequence change replaces arginine, which is basic and polar, with glutamine, which is neutral and polar, at codon 769 of the RYR2 protein (p.Arg769Gln). This variant is present in population databases (rs754901791, gnomAD 0.003%). This variant has not been reported in the literature in individuals affected with RYR2-related conditions. ClinVar contains an entry for this variant (Variation ID: 926471). Invitae Evidence Modeling of protein sequence and biophysical properties (such as structural, functional, and spatial information, amino acid conservation, physicochemical variation, residue mobility, and thermodynamic stability) indicates that this missense variant is not expected to disrupt RYR2 protein function with a negative predictive value of 95%. In summary, the available evidence is currently insufficient to determine the role of this variant in disease. Therefore, it has been classified as a Variant of Uncertain Significance.

Women's Health and Genetics/Laboratory Corporation of America, LabCorp
Classification: Uncertain significance. Last evaluated: 2024-01-15. Review status: criteria provided, single submitter. Criteria: LabCorp Variant Classification Summary - May 2015. Collection method: clinical testing. Allele origin: germline.

All of Us Research Program, National Institutes of Health
Classification: Uncertain significance for Catecholaminergic polymorphic ventricular tachycardia. Last evaluated: 2023-11-20. Review status: criteria provided, single submitter. Criteria: ACMG Guidelines, 2015. Collection method: clinical testing. Allele origin: germline. Inheritance: Autosomal dominant inheritance. Observed: 1 variant allele, 1 heterozygote.
Comment: This missense variant replaces arginine with glutamine at codon 769 of the RYR2 protein. Computational prediction tool is inconclusive regarding the impact of this variant on protein structure and function (internally defined REVEL score threshold 0.5 < inconclusive < 0.7, PMID: 27666373). Splice site prediction tools suggest that this variant may not impact RNA splicing. To our knowledge, functional studies have not been performed for this variant. This variant has not been reported in individuals affected with cardiovascular disorders in the literature. This variant has been identified in 2/249262 chromosomes in the general population by the Genome Aggregation Database (gnomAD). The available evidence is insufficient to determine the role of this variant in disease conclusively. Therefore, this variant is classified as a Variant of Uncertain Significance.

This study involves interpretation of variants in research participants for the purpose of population health screening. Participant phenotype was not available at the time of variant classification. Additional details can be found in publication PMID: 35346344, PMCID: PMC8962531

Color Diagnostics, LLC DBA Color Health
Classification: Uncertain significance for Cardiomyopathy. Last evaluated: 2023-10-09. Review status: criteria provided, single submitter. Criteria: ACMG Guidelines, 2015. Collection method: clinical testing. Allele origin: germline.
Comment: This missense variant replaces arginine with glutamine at codon 769 of the RYR2 protein. Computational prediction is inconclusive regarding the impact of this variant on protein structure and function (internally defined REVEL score threshold 0.5 < inconclusive < 0.7, PMID: 27666373). To our knowledge, functional studies have not been reported for this variant. This variant has not been reported in individuals affected with RYR2-related disorders in the literature. This variant has been identified in 2/249262 chromosomes in the general population by the Genome Aggregation Database (gnomAD). The available evidence is insufficient to determine the role of this variant in disease conclusively. Therefore, this variant is classified as a Variant of Uncertain Significance.

GeneDx
Classification: Uncertain significance. Last evaluated: 2022-11-30. Review status: criteria provided, single submitter. Criteria: GeneDx Variant Classification Process June 2021. Collection method: clinical testing. Allele origin: germline. Affected: yes.
Comment: Not observed at significant frequency in large population cohorts (gnomAD); In silico analysis supports that this missense variant has a deleterious effect on protein structure/function; Has not been previously published as pathogenic or benign to our knowledge

Ambry Genetics
Classification: Uncertain significance for Cardiovascular phenotype. Last evaluated: 2021-08-20. Review status: criteria provided, single submitter. Criteria: Ambry Variant Classification Scheme 2023. Collection method: clinical testing. Allele origin: germline.
Comment: The p.R769Q variant (also known as c.2306G>A), located in coding exon 21 of the RYR2 gene, results from a G to A substitution at nucleotide position 2306. The arginine at codon 769 is replaced by glutamine, an amino acid with highly similar properties. This amino acid position is highly conserved in available vertebrate species. In addition, this alteration is predicted to be tolerated by in silico analysis. Since supporting evidence is limited at this time, the clinical significance of this alteration remains unclear.

NM_001035.3(RYR2):c.2306G>A (p.Arg769Gln)

Gene: RYR2 (ryanodine receptor 2; plus strand). Cytogenetic location: 1q43.
Variant type: single nucleotide variant.
Coding change: c.2306G>A on transcript NM_001035.3 (MANE Select); coding-DNA position 2306, G replaced by A.
Protein change: p.Arg769Gln; replaces arginine 769 with glutamine.
Molecular consequence: missense variant.
Genome position (GRCh38, 1-based): chr1:237,500,813, G>A. VCF-style: chr1-237500813-G-A. GRCh37 (hg19) VCF-style: chr1-237664113-G-A.
Other names: c.2306G>A (NM_001035.2); short protein forms R769Q.
Identifiers: ClinVar variation 926471 (VCV000926471.13), dbSNP rs754901791, ClinGen allele CA086011.